The following is an entry in ClinVar:

NC_000005.9:g.(?_138117604)_(138145903_?)dup

Genes: CTNNA1 (catenin alpha 1; plus strand), LOC129994750 (ATAC-STARR-seq lymphoblastoid active region 23216; plus strand). Cytogenetic location: 5q31.2.
Variant type: Duplication.
Identifiers: ClinVar variation 640988 (VCV000640988.1).

ClinVar aggregate classification (germline): Uncertain significance (1 of 4 stars; one submission).

Submission:

Labcorp Genetics (formerly Invitae), Labcorp
Classification: Uncertain significance. Last evaluated: 2018-09-06. Review status: criteria provided, single submitter. Criteria: Invitae Variant Classification Sherloc (09022015). Collection method: clinical testing. Allele origin: germline.
Comment: This variant results in a copy number gain of the genomic region encompassing exons 2-4 of the CTNNA1 gene. The 5' end of this event is unknown as it extends beyond the assayed region for this gene and therefore may encompass additional genes. The 3' boundary is likely confined to intron 4 of the CTNNA1 gene. As the precise location of this event is unknown, it may be in tandem or it may be located elsewhere in the genome. This variant has not been reported in the literature in individuals with CTNNA1-related disease. Experimental studies and prediction algorithms are not available for this variant, and the functional significance of the affected amino acid(s) is currently unknown. In summary, the available evidence is currently insufficient to determine the role of this variant in disease. Therefore, it has been classified as a Variant of Uncertain Significance.